The following is an entry in ClinVar:

ClinVar aggregate classification (germline): Likely pathogenic (1 of 4 stars; one submission).

Conditions:
Hereditary acrodermatitis enteropathica (AEZ). Also called: Acrodermatitis enteropathica. Identifiers: Orphanet 37, MedGen C0221036, MONDO:0008713, OMIM 201100.

Submission:

Natera, Inc.
Classification: Likely pathogenic for Acrodermatitis enteropathica. Last evaluated: 2025-08-01. Review status: criteria provided, single submitter. Criteria: Natera Variant Classification Schema (03/2026). Collection method: clinical testing. Allele origin: germline.
Comment: The c.333_337del variant in SLC39A4 is a frameshift variant predicted to shift the reading frame and introduce a stop codon. This variant is expected to result in nonsense mediated decay, truncation, or a dysfunctional protein product. This variant is rare in the general population with a frequency below the threshold expected for the associated phenotype(s). Given the available evidence, this variant is classified as Likely Pathogenic.

NM_130849.4(SLC39A4):c.333_337del (p.Cys111_Asp113delinsTer)

Gene: SLC39A4 (solute carrier family 39 member 4; minus strand). Cytogenetic location: 8q24.3.
Variant type: Deletion.
Coding change: c.333_337del on transcript NM_130849.4 (MANE Select); coding-DNA positions 333 to 337, 5 bases deleted (TGAGG; older notation c.333_337delTGAGG).
Protein change: p.Cys111_Asp113delinsTer.
Molecular consequence: nonsense. On other transcripts: intron variant (1).
Genome position (GRCh38, 1-based): chr8:144,415,947-144,415,951, CCTCA deleted on the plus strand (TGAGG on the coding strand, the reverse complement: SLC39A4 is on the minus strand); deleting any 5 consecutive bases within chr8:144,415,947-144,415,952 gives the same sequence; the c. name uses the placement nearest the transcript's 3' end. VCF-style (leftmost placement, unchanged base first): chr8-144415946-TCCTCA-T. GRCh37 (hg19) VCF-style: chr8-145641330-TCCTCA-T.
Other names: c.258_262del, p.Cys86_Asp88delinsTer (NM_017767.3); c.193-532_193-528del (NM_001374839.1); c.333_337del (NM_130849.3).
Identifiers: ClinVar variation 4816464 (VCV004816464.1), dbSNP rs2130802503.